The following is an entry in ClinVar:

NM_006231.4(POLE):c.4709G>T (p.Arg1570Leu)

Gene: POLE (DNA polymerase epsilon, catalytic subunit; minus strand). Cytogenetic location: 12q24.33.
Variant type: single nucleotide variant.
Coding change: c.4709G>T on transcript NM_006231.4 (MANE Select); coding-DNA position 4709, G replaced by T.
Protein change: p.Arg1570Leu; replaces arginine 1570 with leucine.
Molecular consequence: missense variant.
Genome position (GRCh38, 1-based): chr12:132,642,839, C>A on the plus strand (G>T on the coding strand, the complement: POLE is on the minus strand). VCF-style: chr12-132642839-C-A. GRCh37 (hg19) VCF-style: chr12-133219425-C-A.
Other names: c.4709G>T (NM_006231.2); short protein forms R1570L.
Identifiers: ClinVar variation 966210 (VCV000966210.8), dbSNP rs1593731992, ClinGen allele CA387378648.

ClinVar aggregate classification (germline): Uncertain significance. Review status: criteria provided, multiple submitters, no conflicts (2 of 4 stars). 2 submissions from 2 submitters: Uncertain significance (2). Last evaluated 2026-04-29.

Conditions:
Hereditary cancer-predisposing syndrome. Also called: Hereditary Cancer Syndrome; Neoplastic Syndromes, Hereditary; Tumor predisposition; Hereditary neoplastic syndrome. Identifiers: Orphanet 140162, MedGen C0027672, MeSH D009386, MONDO:0015356.

gnomAD v4.1: 1 of 1,614,046 alleles (0.000062%); highest among the groups gnomAD compares: Non-Finnish European, 0.000085%; no homozygotes.

Submissions (2):

Ambry Genetics
Classification: Uncertain significance for Hereditary cancer-predisposing syndrome. Last evaluated: 2026-04-29. Review status: criteria provided, single submitter. Criteria: Ambry Variant Classification Scheme 2023. Collection method: clinical testing. Allele origin: germline.
Comment: The p.R1570L variant (also known as c.4709G>T), located in coding exon 36 of the POLE gene, results from a G to T substitution at nucleotide position 4709. The arginine at codon 1570 is replaced by leucine, an amino acid with dissimilar properties. This amino acid position is highly conserved in available vertebrate species. In addition, this alteration is predicted to be deleterious by in silico analysis. Based on the available evidence, the clinical significance of this variant remains unclear.

Labcorp Genetics (formerly Invitae), Labcorp
Classification: Uncertain significance. Last evaluated: 2024-10-06. Review status: criteria provided, single submitter. Criteria: Invitae Variant Classification Sherloc (09022015). Collection method: clinical testing. Allele origin: germline.
Comment: This sequence change replaces arginine, which is basic and polar, with leucine, which is neutral and non-polar, at codon 1570 of the POLE protein (p.Arg1570Leu). This variant is not present in population databases (gnomAD no frequency). This variant has not been reported in the literature in individuals affected with POLE-related conditions. ClinVar contains an entry for this variant (Variation ID: 966210). Invitae Evidence Modeling of protein sequence and biophysical properties (such as structural, functional, and spatial information, amino acid conservation, physicochemical variation, residue mobility, and thermodynamic stability) indicates that this missense variant is not expected to disrupt POLE protein function with a negative predictive value of 80%. In summary, the available evidence is currently insufficient to determine the role of this variant in disease. Therefore, it has been classified as a Variant of Uncertain Significance.